The following is an entry in ClinVar:

NM_000093.5(COL5A1):c.655G>C (p.Gly219Arg)

Gene: COL5A1 (collagen type V alpha 1 chain; plus strand). Cytogenetic location: 9q34.3.
Variant type: single nucleotide variant.
Coding change: c.655G>C on transcript NM_000093.5 (MANE Select); coding-DNA position 655, G replaced by C.
Protein change: p.Gly219Arg; replaces glycine 219 with arginine.
Molecular consequence: missense variant.
Genome position (GRCh38, 1-based): chr9:134,727,266, G>C. VCF-style: chr9-134727266-G-C. GRCh37 (hg19) VCF-style: chr9-137619112-G-C.
Other names: c.655G>C, p.Gly219Arg (NM_001278074.1); short protein forms G219R.
Identifiers: ClinVar variation 3776140 (VCV003776140.1).
Genomic context (GRCh38, chr9:134,727,266, plus strand): 5'-CCAGGTCCCCATGCGAGTGCTCTGTGAGCTGCTTTTTCATGAGCGTCTCTTCTTTTCCAG[G>C]GTGACATCCAGCAGCTGCTCTTTGTCTCGGACCACCGGGCAGCTTATGATTACTGTGAGC-3'
Protein context (NP_000084.3, residues 209-229): TRILDEEVFE[Gly219Arg]DIQQLLFVSD

ClinVar aggregate classification (germline): Uncertain significance (1 of 4 stars; one submission).

Conditions:
Ehlers-Danlos syndrome, classic type, 1 (EDSCL1). Also called: EHLERS-DANLOS SYNDROME, GRAVIS TYPE; EHLERS-DANLOS SYNDROME, SEVERE CLASSIC TYPE; Ehlers-Danlos syndrome, type 1; Ehlers-Danlos Syndrome, Classic Type, COL5A1-Related; EDS I. Identifiers: MedGen C0268335, MONDO:0019567, OMIM 130000.

Submission:

3billion
Classification: Uncertain significance for Ehlers-Danlos syndrome, classic type, 1. Last evaluated: 2024-02-22. Review status: criteria provided, single submitter. Criteria: ACMG Guidelines, 2015. Collection method: clinical testing. Allele origin: germline. Affected: yes.
Comment: The variant is not observed in the gnomAD v2.1.1 dataset. Predicted Consequence/Location: The majority of the known disease-causing variants of this gene are variants expected to result in premature termination of the protein. In silico tool predictions suggest damaging effect of the variant on gene or gene product [REVEL: 0.97 (>=0.6, sensitivity 0.68 and specificity 0.92); 3Cnet: 0.84 (>=0.6, sensitivity 0.72 and precision 0.9)]. Therefore, this variant is classified as VUS according to the recommendation of ACMG/AMP guideline.